The following is an entry in ClinVar:

NM_016026.4(RDH11):c.854+13T>G

Genes: GPHN (gephyrin; plus strand), RDH11 (retinol dehydrogenase 11; minus strand). Cytogenetic location: 14q24.1.
Variant type: single nucleotide variant.
Coding change: c.854+13T>G on transcript NM_016026.4 (MANE Select); 13 bases into the intron after coding-DNA position 854, T replaced by G.
Molecular consequence: intron variant.
Genome position (GRCh38, 1-based): chr14:67,685,002, A>C on the plus strand (T>G on the coding strand, the complement: RDH11 is on the minus strand). VCF-style: chr14-67685002-A-C. GRCh37 (hg19) VCF-style: chr14-68151719-A-C.
Other names: c.644+13T>G (NM_001252650.2).
Identifiers: ClinVar variation 1375072 (VCV001375072.8), dbSNP rs759915239, ClinGen allele CA2143984989.

ClinVar aggregate classification (germline): Uncertain significance (1 of 4 stars; one submission).

Allele frequency attached by ClinVar (database versions not stated): TOPMed below 0.00001.

Submission:

Labcorp Genetics (formerly Invitae), Labcorp
Classification: Uncertain significance. Last evaluated: 2022-08-10. Review status: criteria provided, single submitter. Criteria: Invitae Variant Classification Sherloc (09022015). Collection method: clinical testing. Allele origin: germline.
Comment: This variant is not present in population databases (gnomAD no frequency). This sequence change falls in intron 6 of the RDH11 gene. It does not directly change the encoded amino acid sequence of the RDH11 protein. In summary, the available evidence is currently insufficient to determine the role of this variant in disease. Therefore, it has been classified as a Variant of Uncertain Significance. Algorithms developed to predict the effect of sequence changes on RNA splicing suggest that this variant may disrupt the consensus splice site. ClinVar contains an entry for this variant (Variation ID: 1375072). This variant has not been reported in the literature in individuals affected with RDH11-related conditions.